The following is an entry in ClinVar:

ClinVar aggregate classification (germline): Uncertain significance. Review status: criteria provided, multiple submitters, no conflicts (2 of 4 stars). 2 submissions from 2 submitters: Uncertain significance (2). Last evaluated 2026-01-16.

Conditions:
Inborn genetic diseases. Identifiers: MedGen C0950123, MeSH D030342.
Hereditary sensory and autonomic neuropathy type 7. Also called: Neuropathy, hereditary sensory and autonomic, type VII; HSAN VII. Identifiers: Orphanet 391397, MedGen C3809882, MONDO:0014244, OMIM 615548.
Familial episodic pain syndrome with predominantly lower limb involvement. Also called: Episodic pain syndrome, familial, 3. Identifiers: Orphanet 391384, Orphanet 391392, MedGen C3809899, MONDO:0014247, OMIM 615552.

Allele frequency attached by ClinVar (database versions not stated): gnomAD 0.00003 and 0.00004; gnomAD exomes 0.00001; TOPMed 0.00002; ExAC 0.00003.
gnomAD v4.1: 68 of 1,603,038 alleles (0.0042%); highest among the groups gnomAD compares: Non-Finnish European, 0.0056%; no homozygotes.

Submissions (2):

Labcorp Genetics (formerly Invitae), Labcorp
Classification: Uncertain significance for Familial episodic pain syndrome with predominantly lower limb involvement; Hereditary sensory and autonomic neuropathy type 7. Last evaluated: 2026-01-16. Review status: criteria provided, single submitter. Criteria: Invitae Variant Classification Sherloc (09022015). Collection method: clinical testing. Allele origin: germline.
Comment: This sequence change replaces alanine, which is neutral and non-polar, with valine, which is neutral and non-polar, at codon 1170 of the SCN11A protein (p.Ala1170Val). This variant is present in population databases (rs202104486, gnomAD 0.004%). This variant has not been reported in the literature in individuals affected with SCN11A-related conditions. ClinVar contains an entry for this variant (Variation ID: 1374373). Invitae Evidence Modeling of protein sequence and biophysical properties (such as structural, functional, and spatial information, amino acid conservation, physicochemical variation, residue mobility, and thermodynamic stability) has been performed for this missense variant. However, the output from this modeling did not meet the statistical confidence thresholds required to predict the impact of this variant on SCN11A protein function. In summary, the available evidence is currently insufficient to determine the role of this variant in disease. Therefore, it has been classified as a Variant of Uncertain Significance.

Ambry Genetics
Classification: Uncertain significance for Inborn genetic diseases. Last evaluated: 2021-08-02. Review status: criteria provided, single submitter. Criteria: Ambry Variant Classification Scheme 2023. Collection method: clinical testing. Allele origin: germline.
Comment: The p.A1170V variant (also known as c.3509C>T), located in coding exon 21 of the SCN11A gene, results from a C to T substitution at nucleotide position 3509. The alanine at codon 1170 is replaced by valine, an amino acid with similar properties. This amino acid position is conserved. In addition, this alteration is predicted to be deleterious by in silico analysis. Since supporting evidence is limited at this time, the clinical significance of this alteration remains unclear.

NM_001349253.2(SCN11A):c.3509C>T (p.Ala1170Val)

Genes: SCN11A (sodium voltage-gated channel alpha subunit 11; minus strand), LOC126806652 (CDK7 strongly-dependent group 2 enhancer GRCh37_chr3:38912374-38913573; plus strand). Cytogenetic location: 3p22.2.
Variant type: single nucleotide variant.
Coding change: c.3509C>T on transcript NM_001349253.2 (MANE Select); coding-DNA position 3509, C replaced by T.
Protein change: p.Ala1170Val; replaces alanine 1170 with valine.
Molecular consequence: missense variant.
Genome position (GRCh38, 1-based): chr3:38,871,695, G>A on the plus strand (C>T on the coding strand, the complement: SCN11A is on the minus strand). VCF-style: chr3-38871695-G-A. GRCh37 (hg19) VCF-style: chr3-38913186-G-A.
Other names: c.3509C>T, p.Ala1170Val (NM_014139.3); short protein forms A1170V.
Identifiers: ClinVar variation 1374373 (VCV001374373.8), dbSNP rs202104486, ClinGen allele CA2321754.